The following is an entry in ClinVar:

ClinVar aggregate classification (germline): Conflicting classifications of pathogenicity. Review status: criteria provided, conflicting classifications (1 of 4 stars). 4 submissions from 4 submitters: Pathogenic (1); Likely pathogenic (2); Uncertain significance (1). Last evaluated 2025-10-29.

Conditions:
Isolated thoracic aortic aneurysm.
Marfan syndrome (MFS). Also called: MARFAN SYNDROME, TYPE I; FBN1-Related Marfan Syndrome; Marfan syndrome, classic; Marfan syndrome type 1; Marfan's syndrome. Identifiers: Orphanet 284963, Orphanet 558, MedGen C0024796, MONDO:0007947, OMIM 154700.
Familial thoracic aortic aneurysm and aortic dissection (TAAD). Also called: Thoracic aortic aneurysms and dissections. Identifiers: Orphanet 91387, MedGen C4707243, MONDO:0019625.

Submissions (4):

Labcorp Genetics (formerly Invitae), Labcorp
Classification: Pathogenic for Marfan syndrome; Familial thoracic aortic aneurysm and aortic dissection. Last evaluated: 2025-10-29. Review status: criteria provided, single submitter. Criteria: Invitae Variant Classification Sherloc (09022015). Collection method: clinical testing. Allele origin: germline.
Comment: This sequence change replaces glycine, which is neutral and non-polar, with aspartic acid, which is acidic and polar, at codon 880 of the FBN1 protein (p.Gly880Asp). This variant is not present in population databases (gnomAD no frequency). This missense change has been observed in individuals with clinical features of FBN1-related conditions (PMID: 27724990, 33824467, 34422331). ClinVar contains an entry for this variant (Variation ID: 263855). Invitae Evidence Modeling of protein sequence and biophysical properties (such as structural, functional, and spatial information, amino acid conservation, physicochemical variation, residue mobility, and thermodynamic stability) indicates that this missense variant is expected to disrupt FBN1 protein function with a positive predictive value of 95%. This variant disrupts the p.Gly880 amino acid residue in FBN1. Other variant(s) that disrupt this residue have been determined to be pathogenic (PMID: 12402346, 15821637, 16905551, 18435798, 22772377). This suggests that this residue is clinically significant, and that variants that disrupt this residue are likely to be disease-causing. For these reasons, this variant has been classified as Pathogenic.

GeneDx
Classification: Likely pathogenic. Last evaluated: 2024-06-26. Review status: criteria provided, single submitter. Criteria: GeneDx Variant Classification Process June 2021. Collection method: clinical testing. Allele origin: germline. Affected: yes.
Comment: Not observed at significant frequency in large population cohorts (gnomAD); Does not affect a cysteine or calcium-binding residue within an EGF-like domain or a TGF-binding protein domain of the FBN1 gene; cysteine substitutions in the EGF-like domains represent the majority of pathogenic missense changes associated with FBN1-related disorders (PMID: 12938084); In silico analysis supports that this missense variant has a deleterious effect on protein structure/function; This variant is associated with the following publications: (PMID: 12938084, 32534992, 33824467, 34422331, 27724990)

Department of Vascular Biology, Beijing Anzhen Hospital
Classification: Uncertain significance for Isolated thoracic aortic aneurysm. Last evaluated: 2018-09-01. Review status: criteria provided, single submitter. Criteria: ACMG Guidelines, 2015. Collection method: research. Allele origin: germline. Affected: yes.

Ambry Genetics
Classification: Likely pathogenic for Familial thoracic aortic aneurysm and aortic dissection. Last evaluated: 2014-08-08. Review status: criteria provided, single submitter. Criteria: Ambry Variant Classification Scheme 2023. Collection method: clinical testing. Allele origin: germline.
Comment: The p.G880D variant (also known as c.2639G>A), located in coding exon 21 of the FBN1 gene, results from a G to A substitution at nucleotide position 2639. The glycine at codon 880 is replaced by aspartic acid, an amino acid with some similar properties. This variant was not reported in population based cohorts in the following databases: Database of Single Nucleotide Polymorphisms (dbSNP), NHLBI Exome Sequencing Project (ESP), and 1000 Genomes Project. In the ESP, this variant was not observed in 6,493 samples (12,986 alleles) with coverage at this position. This amino acid position is highly conserved in available vertebrate species. In addition, this alteration is predicted to be deleterious by in silico analysis. Two other alterations of the same codon in the hybrid motif #02 domain, p.G880S (c.2638G>A) and p.G880R (c.2638G>C), have been reported. The recurrent p.G880S (c.2638G>A) mutation was detected in multiple patients with classic Marfan syndrome (Rommel K et al. Hum Mutat. 2002; 20(5):406-7; Attanasio M et al. Clin Genet. 2008; 74(1):39-46). Based on the majority of available evidence to date, the p.G880D variant is likely to be pathogenic.

Literature cited by the submitters: PubMed 27724990 (cited by Labcorp Genetics (formerly Invitae), Labcorp); PubMed 33824467 (cited by Labcorp Genetics (formerly Invitae), Labcorp); PubMed 34422331 (cited by Labcorp Genetics (formerly Invitae), Labcorp); PubMed 12402346 (cited by Labcorp Genetics (formerly Invitae), Labcorp and Ambry Genetics); PubMed 15821637 (cited by Labcorp Genetics (formerly Invitae), Labcorp); PubMed 16905551 (cited by Labcorp Genetics (formerly Invitae), Labcorp); PubMed 18435798 (cited by Labcorp Genetics (formerly Invitae), Labcorp and Ambry Genetics); PubMed 22772377 (cited by Labcorp Genetics (formerly Invitae), Labcorp).

NM_000138.5(FBN1):c.2639G>A (p.Gly880Asp)

Gene: FBN1 (fibrillin 1; minus strand). Cytogenetic location: 15q21.1.
Variant type: single nucleotide variant.
Coding change: c.2639G>A on transcript NM_000138.5 (MANE Select); coding-DNA position 2639, G replaced by A.
Protein change: p.Gly880Asp; replaces glycine 880 with aspartic acid.
Molecular consequence: missense variant.
Genome position (GRCh38, 1-based): chr15:48,495,161, C>T on the plus strand (G>A on the coding strand, the complement: FBN1 is on the minus strand). VCF-style: chr15-48495161-C-T. GRCh37 (hg19) VCF-style: chr15-48787358-C-T.
Other names: short protein forms G880D.
Identifiers: ClinVar variation 263855 (VCV000263855.11), dbSNP rs886038953, ClinGen allele CA10587845.